The following is an entry in ClinVar:

ClinVar aggregate classification (germline): Uncertain significance (1 of 4 stars; one submission).

Conditions:
USH2A-related disorder. Also called: USH2A-related disorders; USH2A-related condition. Identifiers: MedGen CN239332.

Submission:

Myriad Genetics, Inc.
Classification: Uncertain significance for USH2A-related disorder. Last evaluated: 2025-12-30. Review status: criteria provided, single submitter. Criteria: Myriad Autosomal Dominant, Autosomal Recessive and X-Linked Classification Criteria (2023). Collection method: clinical testing. Allele origin: unknown.
Comment: NM_206933.2(USH2A):c.10214_10222del9(A3405_M3407del) is an in-frame deletion classified as a variant of uncertain significance in the context of USH2A-related disorders. A3405_M3407del has not been observed in cases with relevant disease. Relevant functional assessments of this variant are not available in the literature. A3405_M3407del has not been observed in referenced population frequency databases. In summary, there is insufficient evidence to classify NM_206933.2(USH2A):c.10214_10222del9(A3405_M3407del) as pathogenic or benign. Please note: this variant was assessed in the context of healthy population screening.

NM_206933.4(USH2A):c.10214_10222del (p.Ala3405_Met3407del)

Gene: USH2A (usherin; minus strand). Cytogenetic location: 1q41.
Variant type: Deletion.
Coding change: c.10214_10222del on transcript NM_206933.4 (MANE Select); coding-DNA positions 10214 to 10222, 9 bases deleted (CATCTATGG; older notation c.10214_10222delCATCTATGG).
Protein change: p.Ala3405_Met3407del.
Molecular consequence: inframe deletion.
Genome position (GRCh38, 1-based): chr1:215,786,835-215,786,843, CCATAGATG deleted on the plus strand (CATCTATGG on the coding strand, the reverse complement: USH2A is on the minus strand); deleting any 9 consecutive bases within chr1:215,786,835-215,786,844 gives the same sequence; the c. name uses the placement nearest the transcript's 3' end. VCF-style (leftmost placement, unchanged base first): chr1-215786834-TCCATAGATG-T. GRCh37 (hg19) VCF-style: chr1-215960176-TCCATAGATG-T.
Identifiers: ClinVar variation 5003782 (VCV005003782.1).